The following is an entry in ClinVar:

NM_003859.3(DPM1):c.63T>A (p.Ser21Arg)

Genes: DPM1 (dolichyl-phosphate mannosyltransferase subunit 1, catalytic; minus strand), LOC130066166 (ATAC-STARR-seq lymphoblastoid active region 18108; plus strand). Cytogenetic location: 20q13.13.
Variant type: single nucleotide variant.
Coding change: c.63T>A on transcript NM_003859.3 (MANE Select); coding-DNA position 63, T replaced by A.
Protein change: p.Ser21Arg; replaces serine 21 with arginine.
Molecular consequence: missense variant. On other transcripts: non-coding transcript variant (1).
Genome position (GRCh38, 1-based): chr20:50,958,461, A>T on the plus strand (T>A on the coding strand, the complement: DPM1 is on the minus strand). VCF-style: chr20-50958461-A-T. GRCh37 (hg19) VCF-style: chr20-49574998-A-T.
Other names: c.63T>A, p.Ser21Arg (NM_001317034.1, NM_001317035.1, NM_001317036.1); c.63T>A (NM_003859.1); short protein forms S21R.
Identifiers: ClinVar variation 1433017 (VCV001433017.9), dbSNP rs747972169, ClinGen allele CA9909246.
Genomic context (GRCh38, chr20:50,958,461, plus strand): 5'-CGGCAGGTTCTCGCGCTCGTTGTAGGTAGGTAAAAGCACCGAATATTTGTTCTGTCGTGG[A>T]CTGCGCACTTCCAGCTCCCGCCGAGACCTGCGAGGACTACGACTGACTTCCAAGGAGGCC-3'
Protein context (NP_003850.1, residues 11-31): RRSRRELEVR[Ser21Arg]PRQNKYSVLL

ClinVar aggregate classification (germline): Uncertain significance. Review status: criteria provided, multiple submitters, no conflicts (2 of 4 stars). 2 submissions from 2 submitters: Uncertain significance (2). Last evaluated 2023-02-28.

Conditions:
Congenital disorder of glycosylation type 1E (CDG1E). Also called: CDG Ie; CONGENITAL DISORDER OF GLYCOSYLATION, TYPE Ie. Identifiers: Orphanet 79322, MedGen C1837396, MONDO:0012123, OMIM 608799.
Inborn genetic diseases. Identifiers: MedGen C0950123, MeSH D030342.

Allele frequency attached by ClinVar (database versions not stated): gnomAD exomes below 0.00001 and 0.00001; ExAC 0.00001.
gnomAD v4.1: 3 of 1,613,784 alleles (0.00019%); highest among the groups gnomAD compares: East Asian, 0.0067%; no homozygotes.

Submissions (2):

Ambry Genetics
Classification: Uncertain significance for Inborn genetic diseases. Last evaluated: 2023-02-28. Review status: criteria provided, single submitter. Criteria: Ambry Variant Classification Scheme 2023. Collection method: clinical testing. Allele origin: germline.

Labcorp Genetics (formerly Invitae), Labcorp
Classification: Uncertain significance for Congenital disorder of glycosylation type 1E. Last evaluated: 2022-03-18. Review status: criteria provided, single submitter. Criteria: Invitae Variant Classification Sherloc (09022015). Collection method: clinical testing. Allele origin: germline.
Comment: This variant has not been reported in the literature in individuals affected with DPM1-related conditions. This sequence change replaces serine, which is neutral and polar, with arginine, which is basic and polar, at codon 21 of the DPM1 protein (p.Ser21Arg). This variant is present in population databases (rs747972169, gnomAD 0.01%). Algorithms developed to predict the effect of missense changes on protein structure and function (SIFT, PolyPhen-2, Align-GVGD) all suggest that this variant is likely to be tolerated. In summary, the available evidence is currently insufficient to determine the role of this variant in disease. Therefore, it has been classified as a Variant of Uncertain Significance.